The following is an entry in ClinVar:

ClinVar aggregate classification (germline): Uncertain significance (1 of 4 stars; one submission).

gnomAD v4.1: 6 of 1,609,538 alleles (0.00037%); highest among the groups gnomAD compares: Non-Finnish European, 0.00051%; no homozygotes.

Submission:

Labcorp Genetics (formerly Invitae), Labcorp
Classification: Uncertain significance. Last evaluated: 2026-01-11. Review status: criteria provided, single submitter. Criteria: Invitae Variant Classification Sherloc (09022015). Collection method: clinical testing. Allele origin: germline.
Comment: This sequence change replaces aspartic acid, which is acidic and polar, with asparagine, which is neutral and polar, at codon 1786 of the TNRC6B protein (p.Asp1786Asn). This variant is not present in population databases (gnomAD no frequency). This variant has not been reported in the literature in individuals affected with TNRC6B-related conditions. An algorithm developed to predict the effect of missense changes on protein structure and function (PolyPhen-2) suggests that this variant is likely to be disruptive. In summary, the available evidence is currently insufficient to determine the role of this variant in disease. Therefore, it has been classified as a Variant of Uncertain Significance.

NM_001162501.2(TNRC6B):c.5356G>A (p.Asp1786Asn)

Gene: TNRC6B (trinucleotide repeat containing adaptor 6B; plus strand). Cytogenetic location: 22q13.1.
Variant type: single nucleotide variant.
Coding change: c.5356G>A on transcript NM_001162501.2 (MANE Select); coding-DNA position 5356, G replaced by A.
Protein change: p.Asp1786Asn; replaces aspartic acid 1786 with asparagine.
Molecular consequence: missense variant.
Genome position (GRCh38, 1-based): chr22:40,323,095, G>A. VCF-style: chr22-40323095-G-A. GRCh37 (hg19) VCF-style: chr22-40719099-G-A.
Other names: c.2944G>A, p.Asp982Asn (NM_001024843.2); c.5026G>A, p.Asp1676Asn (NM_015088.3); short protein forms D1676N, D1786N, D982N.
Identifiers: ClinVar variation 4734668 (VCV004734668.1).